The following is an entry in ClinVar:

NM_002693.3(POLG):c.2360G>C (p.Ser787Thr)

Gene: POLG (DNA polymerase gamma, catalytic subunit; minus strand). Cytogenetic location: 15q26.1.
Variant type: single nucleotide variant.
Coding change: c.2360G>C on transcript NM_002693.3 (MANE Select); coding-DNA position 2360, G replaced by C.
Protein change: p.Ser787Thr; replaces serine 787 with threonine.
Molecular consequence: missense variant.
Genome position (GRCh38, 1-based): chr15:89,322,808, C>G on the plus strand (G>C on the coding strand, the complement: POLG is on the minus strand). VCF-style: chr15-89322808-C-G. GRCh37 (hg19) VCF-style: chr15-89866039-C-G.
Other names: c.2360G>C, p.Ser787Thr (NM_001126131.2); short protein forms S787T.
Identifiers: ClinVar variation 1714655 (VCV001714655.6), dbSNP rs2509226886, ClinGen allele CA393756390.

ClinVar aggregate classification (germline): Uncertain significance (1 of 4 stars; one submission).

Conditions:
Progressive sclerosing poliodystrophy (MTDPS4A). Also called: NEURONAL DEGENERATION OF CHILDHOOD WITH LIVER DISEASE, PROGRESSIVE; Alpers Syndrome; ALPERS DIFFUSE DEGENERATION OF CEREBRAL GRAY MATTER WITH HEPATIC CIRRHOSIS; Alpers-Huttenlocher Syndrome; Mitochondrial DNA Depletion Syndrome 4A; Alpers-Huttenlocher Syndrome (AHS). Identifiers: Orphanet 726, MedGen C0205710, MONDO:0008758, OMIM 203700.

Submission:

Labcorp Genetics (formerly Invitae), Labcorp
Classification: Uncertain significance for Progressive sclerosing poliodystrophy. Last evaluated: 2022-11-22. Review status: criteria provided, single submitter. Criteria: Invitae Variant Classification Sherloc (09022015). Collection method: clinical testing. Allele origin: germline.
Comment: This variant is not present in population databases (gnomAD no frequency). This sequence change replaces serine, which is neutral and polar, with threonine, which is neutral and polar, at codon 787 of the POLG protein (p.Ser787Thr). This variant has not been reported in the literature in individuals affected with POLG-related conditions. In summary, the available evidence is currently insufficient to determine the role of this variant in disease. Therefore, it has been classified as a Variant of Uncertain Significance. Advanced modeling of protein sequence and biophysical properties (such as structural, functional, and spatial information, amino acid conservation, physicochemical variation, residue mobility, and thermodynamic stability) performed at Invitae indicates that this missense variant is not expected to disrupt POLG protein function.